The following is an entry in ClinVar:

NM_207352.4(CYP4V2):c.332T>C (p.Ile111Thr)

Gene: CYP4V2 (cytochrome P450 family 4 subfamily V member 2; plus strand). Cytogenetic location: 4q35.1.
Variant type: single nucleotide variant.
Coding change: c.332T>C on transcript NM_207352.4 (MANE Select); coding-DNA position 332, T replaced by C.
Protein change: p.Ile111Thr; replaces isoleucine 111 with threonine.
Molecular consequence: missense variant.
Genome position (GRCh38, 1-based): chr4:186,196,007, T>C. VCF-style: chr4-186196007-T-C. GRCh37 (hg19) VCF-style: chr4-187117161-T-C.
Other names: c.636T>C; short protein forms I111T.
Identifiers: ClinVar variation 2188 (VCV000002188.16), dbSNP rs119103283, ClinGen allele CA339955.

ClinVar aggregate classification (germline): Pathogenic. Review status: criteria provided, multiple submitters, no conflicts (2 of 4 stars). 8 submissions from 8 submitters: Pathogenic (6). 2 of the submissions do not count toward it. Last evaluated 2025-04-11.

Conditions:
CYP4V2-related disorder. Also called: CYP4V2-related condition; CYP4V2-related disorders.
Retinal dystrophy. Also called: Inherited retinal dystrophy. Identifiers: Orphanet 71862, MedGen C0854723, MeSH D058499, MONDO:0019118, HP:0000556.
Bietti crystalline corneoretinal dystrophy (BCD). Also called: BIETTI TAPETORETINAL DEGENERATION WITH MARGINAL CORNEAL DYSTROPHY; Bietti Crystalline Dystrophy. Identifiers: Orphanet 41751, MedGen C1859486, MONDO:0008865, OMIM 210370.

Allele frequency attached by ClinVar (database versions not stated): TOPMed 0.00003; gnomAD 0.00005.
gnomAD v4.1: 110 of 1,611,540 alleles (0.0068%); highest among the groups gnomAD compares: Middle Eastern, 0.016%; no homozygotes.

Submissions (8):

PreventionGenetics, part of Exact Sciences
Classification: Pathogenic for CYP4V2-related condition. Last evaluated: 2025-04-11. Review status: criteria provided, single submitter. Criteria: ACMG Guidelines, 2015. Collection method: clinical testing. Allele origin: germline.
Comment: The CYP4V2 c.332T>C variant is predicted to result in the amino acid substitution p.Ile111Thr. This variant has been reported in the homozygous state or with a second CYP4V2 variant in individuals with Bietti crystalline corneoretinal dystrophy and segregated with disease in multiple families (see, for example, Li et al. 2004. PubMed ID: 15042513; Haddad et al. 2012. PubMed ID: 22605929; Rossi et al. 2013. PubMed ID: 23221965). It has been noted to be common in the Italian and Lebanese populations (Haddad et al. 2012. PubMed ID: 22605929; García-García et al. 2018. PubMed ID: 29691984). This variant is reported in 0.010% of alleles in individuals of European (non-Finnish) descent in gnomAD. This variant is interpreted as pathogenic.

Labcorp Genetics (formerly Invitae), Labcorp
Classification: Pathogenic. Last evaluated: 2025-03-31. Review status: criteria provided, single submitter. Criteria: Invitae Variant Classification Sherloc (09022015). Collection method: clinical testing. Allele origin: germline.
Comment: This sequence change replaces isoleucine, which is neutral and non-polar, with threonine, which is neutral and polar, at codon 111 of the CYP4V2 protein (p.Ile111Thr). This variant is present in population databases (rs119103283, gnomAD 0.009%). This missense change has been observed in individuals with Bietti crystalline corneoretinal dystrophy (PMID: 15042513, 23221965, 29691984). It has also been observed to segregate with disease in related individuals. ClinVar contains an entry for this variant (Variation ID: 2188). Invitae Evidence Modeling of protein sequence and biophysical properties (such as structural, functional, and spatial information, amino acid conservation, physicochemical variation, residue mobility, and thermodynamic stability) indicates that this missense variant is expected to disrupt CYP4V2 protein function with a positive predictive value of 80%. For these reasons, this variant has been classified as Pathogenic.

Blueprint Genetics
Classification: Pathogenic for CYP4V2-related disorders. Last evaluated: 2024-01-18. Review status: criteria provided, single submitter. Criteria: ACMG Guidelines, 2015. Collection method: clinical testing. Allele origin: germline. Affected: yes. Observed: 5 variant alleles.

Institute of Medical Genetics and Applied Genomics, University Hospital Tübingen
Classification: Pathogenic for Bietti crystalline corneoretinal dystrophy. Last evaluated: 2023-03-07. Review status: criteria provided, single submitter. Criteria: ACMG Guidelines, 2015. Collection method: clinical testing. Allele origin: germline. Inheritance: Autosomal recessive inheritance. Affected: yes.

Institute of Human Genetics, Univ. Regensburg, Univ. Regensburg
Classification: Pathogenic for Retinal dystrophy. Last evaluated: 2022-01-01. Review status: criteria provided, single submitter. Criteria: ACMG Guidelines, 2015. Collection method: clinical testing. Allele origin: germline. Affected: yes.

Genetic Diagnostics Department, Viafet Genomics Laboratory
Classification: Pathogenic for Bietti crystalline corneoretinal dystrophy. Last evaluated: 2021-08-23. Review status: criteria provided, single submitter. Criteria: ACMG Guidelines, 2015. Collection method: clinical testing. Allele origin: germline. Inheritance: Autosomal recessive inheritance. Affected: no. Observed: 1 variant allele, 1 heterozygote.
Comment: This variant has been identified in a homozygous state in several patients affected with Bietti crystalline corneoretinal dystrophy (PMIDs: 21385027, 23538635 and 29691984).

GeneReviews
Classification: Pathogenic for Bietti Crystalline Dystrophy. Last evaluated: 2012-04-12. Review status: no assertion criteria provided. Collection method: curation. Allele origin: unknown. Not counted in ClinVar's aggregate classification.
ClinVar note: Converted during submission from pathologic to Pathogenic.

OMIM
Classification: Pathogenic for BIETTI CRYSTALLINE CORNEORETINAL DYSTROPHY. Last evaluated: 2004-05-01. Review status: no assertion criteria provided. Collection method: literature only. Allele origin: germline. Not counted in ClinVar's aggregate classification.

Literature cited by the submitters: PubMed 15042513 (cited by 3 submitters); PubMed 23221965 (cited by Labcorp Genetics (formerly Invitae), Labcorp); PubMed 29691984 (cited by 3 submitters); PubMed 21385027 (cited by Institute of Human Genetics, Univ. Regensburg, Univ. Regensburg and Genetic Diagnostics Department, Viafet Genomics Laboratory); PubMed 23538635 (cited by Institute of Human Genetics, Univ. Regensburg, Univ. Regensburg and Genetic Diagnostics Department, Viafet Genomics Laboratory); PubMed 31589614 (cited by Institute of Human Genetics, Univ. Regensburg, Univ. Regensburg); PubMed 31964843 (cited by Institute of Human Genetics, Univ. Regensburg, Univ. Regensburg); PubMed 34426522 (cited by Institute of Human Genetics, Univ. Regensburg, Univ. Regensburg); PubMed 34310258 (cited by Institute of Human Genetics, Univ. Regensburg, Univ. Regensburg); PubMed 36460718 (cited by Institute of Human Genetics, Univ. Regensburg, Univ. Regensburg).